The following is an entry in ClinVar:

NM_004360.5(CDH1):c.1544C>T (p.Thr515Ile)

Gene: CDH1 (cadherin 1; plus strand). Cytogenetic location: 16q22.1.
Variant type: single nucleotide variant.
Coding change: c.1544C>T on transcript NM_004360.5 (MANE Select); coding-DNA position 1544, C replaced by T.
Protein change: p.Thr515Ile; replaces threonine 515 with isoleucine.
Molecular consequence: missense variant. On other transcripts: 5 prime UTR variant (2).
Genome position (GRCh38, 1-based): chr16:68,815,738, C>T. VCF-style: chr16-68815738-C-T. GRCh37 (hg19) VCF-style: chr16-68849641-C-T.
Other names: c.1361C>T, p.Thr454Ile (NM_001317184.2); c.-5C>T (NM_001317185.2); c.-276C>T (NM_001317186.2); c.1544C>T (LRG_301t1); short protein forms T515I, T454I.
Identifiers: ClinVar variation 532472 (VCV000532472.19), dbSNP rs1555516188, ClinGen allele CA396463562.
Genomic context (GRCh38, chr16:68,815,738, plus strand): 5'-TGTCCGAGGACTTTGGCGTGGGCCAGGAAATCACATCCTACACTGCCCAGGAGCCAGACA[C>T]ATTTATGGAACAGAAAATAACGTAAGTGTGAGGATTTTTCAACTGACTTGCAGCAACTGG-3'
Protein context (NP_004351.1, residues 505-525): ITSYTAQEPD[Thr515Ile]FMEQKITYRI

ClinVar aggregate classification (germline): Conflicting classifications of pathogenicity. Review status: criteria provided, conflicting classifications (1 of 4 stars). 4 submissions from 4 submitters: Uncertain significance (3); Likely benign (1). Last evaluated 2026-05-11.

Conditions:
Hereditary cancer-predisposing syndrome. Also called: Tumor predisposition; Hereditary neoplastic syndrome; Neoplastic Syndromes, Hereditary; Hereditary Cancer Syndrome. Identifiers: Orphanet 140162, MedGen C0027672, MeSH D009386, MONDO:0015356.
Hereditary diffuse gastric adenocarcinoma (HDGC). Also called: DIFFUSE GASTRIC AND LOBULAR BREAST CANCER SYNDROME. Identifiers: Orphanet 26106, MedGen C1708349, MONDO:0007648, OMIM 137215.

Allele frequency attached by ClinVar (database versions not stated): TOPMed below 0.00001.
gnomAD v4.1: 7 of 1,614,236 alleles (0.00043%); highest among the groups gnomAD compares: Non-Finnish European, 0.00059%; no homozygotes.

Submissions (4):

Ambry Genetics
Classification: Likely benign for Hereditary cancer-predisposing syndrome. Last evaluated: 2026-05-11. Review status: criteria provided, single submitter. Criteria: Ambry Variant Classification Scheme 2023. Collection method: clinical testing. Allele origin: germline.

Quest Diagnostics Nichols Institute San Juan Capistrano
Classification: Uncertain significance. Last evaluated: 2024-10-09. Review status: criteria provided, single submitter. Criteria: Quest Diagnostics criteria. Collection method: clinical testing. Allele origin: unknown.
Comment: The CDH1 c.1544C>T (p.Thr515Ile) variant has not been reported in individuals with CDH1-related conditions in the published literature. It also has not been reported in large, multi-ethnic general populations (Genome Aggregation Database). Analysis of this variant using bioinformatics tools for the prediction of the effect of amino acid changes on protein structure and function yielded predictions that this variant is benign. Based on the available information, we are unable to determine the clinical significance of this variant.

Labcorp Genetics (formerly Invitae), Labcorp
Classification: Uncertain significance for Hereditary diffuse gastric adenocarcinoma. Last evaluated: 2022-10-23. Review status: criteria provided, single submitter. Criteria: Invitae Variant Classification Sherloc (09022015). Collection method: clinical testing. Allele origin: germline.
Comment: In summary, the available evidence is currently insufficient to determine the role of this variant in disease. Therefore, it has been classified as a Variant of Uncertain Significance. Algorithms developed to predict the effect of missense changes on protein structure and function output the following: SIFT: "Tolerated"; PolyPhen-2: "Benign"; Align-GVGD: "Class C0". The isoleucine amino acid residue is found in multiple mammalian species, which suggests that this missense change does not adversely affect protein function. ClinVar contains an entry for this variant (Variation ID: 532472). This variant has not been reported in the literature in individuals affected with CDH1-related conditions. This variant is not present in population databases (gnomAD no frequency). This sequence change replaces threonine, which is neutral and polar, with isoleucine, which is neutral and non-polar, at codon 515 of the CDH1 protein (p.Thr515Ile).

Color Diagnostics, LLC DBA Color Health
Classification: Uncertain significance for Hereditary cancer-predisposing syndrome. Last evaluated: 2018-11-28. Review status: criteria provided, single submitter. Criteria: ACMG Guidelines, 2015. Collection method: clinical testing. Allele origin: germline.